The following is an entry in ClinVar:

NM_000368.5(TSC1):c.913+2T>C

Gene: TSC1 (TSC complex subunit 1; minus strand). Cytogenetic location: 9q34.13.
Variant type: single nucleotide variant.
Coding change: c.913+2T>C on transcript NM_000368.5 (MANE Select); the canonical splice donor site of the intron after coding-DNA position 913, T replaced by C.
Molecular consequence: splice donor variant.
Genome position (GRCh38, 1-based): chr9:132,912,280, A>G on the plus strand (T>C on the coding strand, the complement: TSC1 is on the minus strand). VCF-style: chr9-132912280-A-G. GRCh37 (hg19) VCF-style: chr9-135787667-A-G.
Other names: c.550+2T>C (NM_001406620.1, NM_001406618.1, NM_001406625.1 and 10 more transcripts); c.760+2T>C (NM_001406613.1, NM_001406612.1, NM_001406610.1 and 2 more transcripts); c.-39+2T>C (NM_001406627.1, NM_001406628.1, NM_001406626.1); c.-181+2T>C (NM_001406629.1, NM_001406630.1); c.913+2T>C (NM_001406603.1, NM_001406609.1, NM_001406597.1 and 16 more transcripts).
Identifiers: ClinVar variation 1765917 (VCV001765917.6), dbSNP rs2538885807, ClinGen allele CA375368961.

ClinVar aggregate classification (germline): Pathogenic/Likely pathogenic. Review status: criteria provided, multiple submitters, no conflicts (2 of 4 stars). 4 submissions from 4 submitters: Pathogenic (2); Likely pathogenic (1). 1 of the submissions does not count toward it. Last evaluated 2025-10-30.

Conditions:
Hereditary cancer-predisposing syndrome. Also called: Hereditary neoplastic syndrome; Neoplastic Syndromes, Hereditary; Tumor predisposition; Hereditary Cancer Syndrome. Identifiers: Orphanet 140162, MedGen C0027672, MeSH D009386, MONDO:0015356.
TSC1-related disorder. Also called: TSC1-related condition.
Tuberous sclerosis 1 (TSC1). Identifiers: Orphanet 805, MedGen C1854465, MONDO:0008612, OMIM 191100.

Submissions (4):

GeneDx
Classification: Pathogenic. Last evaluated: 2025-10-30. Review status: criteria provided, single submitter. Criteria: GeneDx Variant Classification Process June 2021. Collection method: clinical testing. Allele origin: germline.
Comment: Canonical splice site variant predicted to result in a null allele in a gene for which loss of function is a known mechanism of disease; Not observed at significant frequency in large population cohorts (gnomAD); Has not been previously published as pathogenic or benign to our knowledge; This variant is associated with the following publications: (PMID: 27859028)

3billion
Classification: Pathogenic for Tuberous sclerosis 1. Last evaluated: 2025-05-29. Review status: criteria provided, single submitter. Criteria: ACMG Guidelines, 2015. Collection method: clinical testing. Allele origin: germline. Affected: yes.
Comment: The variant is not observed in the gnomAD v4.1.0 dataset. Predicted Consequence/Location: Canonical splice site: predicted to alter splicing and result in a loss or disruption of normal protein function. Multiple pathogenic loss-of-function variants are reported downstream of the variant. In silico tools predict the variant to alter splicing and produce an abnormal transcript [SpliceAI: 1.00 (spliceogenicity >=0.2, non-spliceogenicity <0.1)]. The variant has been reported to be associated with TSC1-related disorder (ClinVar ID: VCV001765917). Therefore, this variant is classified as Pathogenic according to the recommendation of ACMG/AMP guideline.

Ambry Genetics
Classification: Likely pathogenic for Hereditary cancer-predisposing syndrome. Last evaluated: 2017-03-28. Review status: criteria provided, single submitter. Criteria: Ambry Variant Classification Scheme 2023. Collection method: clinical testing. Allele origin: germline.
Comment: The c.913+2T>C intronic variant results from a T to C substitution two nucleotides after coding exon 7 in the TSC1 gene. This nucleotide position is highly conserved in available vertebrate species. Using the BDGP and ESEfinder splice site prediction tools, this alteration is predicted to abolish the native splice donor site; however, direct evidence is unavailable. Based on the majority of available evidence to date, this variant is likely to be pathogenic.

PreventionGenetics, part of Exact Sciences
Classification: Pathogenic for TSC1-related condition. Last evaluated: 2024-07-28. Review status: no assertion criteria provided. Collection method: clinical testing. Allele origin: germline. Not counted in ClinVar's aggregate classification.
Comment: The TSC1 c.913+2T>C variant is predicted to disrupt the GT donor site and interfere with normal splicing. To our knowledge, this variant has not been reported in the literature or in a large population database, indicating this variant is rare. Variants that disrupt the consensus splice donor site in TSC1 are expected to be pathogenic. This variant is interpreted as pathogenic.